The following is an entry in ClinVar:

ClinVar aggregate classification (germline): Conflicting classifications of pathogenicity. Review status: criteria provided, conflicting classifications (1 of 4 stars). 5 submissions from 4 submitters: Uncertain significance (4); Benign (1). Last evaluated 2025-02-27.

Conditions:
Adams-Oliver syndrome 5 (AOS5). Identifiers: Orphanet 974, MedGen C4014970, MONDO:0014459, OMIM 616028.
Familial thoracic aortic aneurysm and aortic dissection (TAAD). Also called: Thoracic aortic aneurysms and dissections. Identifiers: Orphanet 91387, MedGen C4707243, MONDO:0019625.
Aortic valve disease 1 (AOVD1). Identifiers: MedGen C3887892, MONDO:0024523, OMIM 109730.

Allele frequency attached by ClinVar (database versions not stated): gnomAD exomes 0.00001; ExAC 0.00003; gnomAD 0.00003 and 0.00004; TOPMed 0.00004.
gnomAD v4.1: 9 of 1,612,630 alleles (0.00056%); highest among the groups gnomAD compares: African/African-American, 0.008%; no homozygotes.

Submissions (5):

Ambry Genetics
Classification: Uncertain significance for Familial thoracic aortic aneurysm and aortic dissection. Last evaluated: 2025-02-27. Review status: criteria provided, single submitter. Criteria: Ambry Variant Classification Scheme 2023. Collection method: clinical testing. Allele origin: germline.
Comment: The p.L1848M variant (also known as c.5542C>A), located in coding exon 30 of the NOTCH1 gene, results from a C to A substitution at nucleotide position 5542. The leucine at codon 1848 is replaced by methionine, an amino acid with highly similar properties. This amino acid position is conserved. In addition, the in silico prediction for this alteration is inconclusive. Based on the available evidence, the clinical significance of this variant remains unclear.

Labcorp Genetics (formerly Invitae), Labcorp
Classification: Benign for Adams-Oliver syndrome 5. Last evaluated: 2022-08-16. Review status: criteria provided, single submitter. Criteria: Invitae Variant Classification Sherloc (09022015). Collection method: clinical testing. Allele origin: germline.

Genome-Nilou Lab
Classification: Uncertain significance for Adams-Oliver syndrome 5. Last evaluated: 2022-03-15. Review status: criteria provided, single submitter. Criteria: ACMG Guidelines, 2015. Collection method: clinical testing. Allele origin: germline. Affected: no.

Genome-Nilou Lab
Classification: Uncertain significance for Aortic valve disease 1. Last evaluated: 2022-03-15. Review status: criteria provided, single submitter. Criteria: ACMG Guidelines, 2015. Collection method: clinical testing. Allele origin: germline. Affected: no.

Johns Hopkins Genomics, Johns Hopkins University
Classification: Uncertain significance for Aortic valve disease 1. Last evaluated: 2021-02-27. Review status: criteria provided, single submitter. Criteria: ACMG Guidelines, 2015. Collection method: clinical testing. Allele origin: germline.
Comment: This NOTCH1 variant (rs35652719) is rare (<0.1%) in a large population dataset (gnomAD: 5/278682 total alleles, 0.002%, no homozygotes) and has not been reported previously in ClinVar nor the literature to our knowledge. Of three bioinformatics tools queried, two predict that p.Leu1848Met would be damaging, while another predicts that this substitution would be tolerated. The leucine residue at this position is strongly conserved across all vertebrate species assessed. This variant is not predicted to affect normal exon 30 splicing, although this has not been confirmed experimentally to our knowledge. Due to insufficient evidence, we consider the clinical significance of c.5542C>A to be uncertain at this time.

Literature cited by the submitters: PubMed 16025100 (cited by Johns Hopkins Genomics, Johns Hopkins University); PubMed 18593716 (cited by Johns Hopkins Genomics, Johns Hopkins University); PubMed 24418111 (cited by Johns Hopkins Genomics, Johns Hopkins University); PubMed 26820064 (cited by Johns Hopkins Genomics, Johns Hopkins University); PubMed 31633846 (cited by Johns Hopkins Genomics, Johns Hopkins University).

NM_017617.5(NOTCH1):c.5542C>A (p.Leu1848Met)

Gene: NOTCH1 (notch receptor 1; minus strand). Cytogenetic location: 9q34.3.
Variant type: single nucleotide variant.
Coding change: c.5542C>A on transcript NM_017617.5 (MANE Select); coding-DNA position 5542, C replaced by A.
Protein change: p.Leu1848Met; replaces leucine 1848 with methionine.
Molecular consequence: missense variant.
Genome position (GRCh38, 1-based): chr9:136,501,844, G>T on the plus strand (C>A on the coding strand, the complement: NOTCH1 is on the minus strand). VCF-style: chr9-136501844-G-T. GRCh37 (hg19) VCF-style: chr9-139396296-G-T.
Other names: c.5542C>A (NM_017617.3); short protein forms L1848M.
Identifiers: ClinVar variation 1048775 (VCV001048775.11), dbSNP rs35652719, ClinGen allele CA5340215.